The following is an entry in ClinVar:

NM_004320.6(ATP2A1):c.2906T>C (p.Met969Thr)

Gene: ATP2A1 (ATPase sarcoplasmic/endoplasmic reticulum Ca2+ transporting 1; plus strand). Cytogenetic location: 16p11.2.
Variant type: single nucleotide variant.
Coding change: c.2906T>C on transcript NM_004320.6 (MANE Select); coding-DNA position 2906, T replaced by C.
Protein change: p.Met969Thr; replaces methionine 969 with threonine.
Molecular consequence: missense variant.
Genome position (GRCh38, 1-based): chr16:28,903,366, T>C. VCF-style: chr16-28903366-T-C. GRCh37 (hg19) VCF-style: chr16-28914687-T-C.
Other names: c.2531T>C, p.Met844Thr (NM_001286075.2); c.2906T>C, p.Met969Thr (NM_173201.5); short protein forms M969T, M844T.
Identifiers: ClinVar variation 2147061 (VCV002147061.4), dbSNP rs745336652, ClinGen allele CA7987447.

ClinVar aggregate classification (germline): Uncertain significance (1 of 4 stars; one submission).

Conditions:
Brody myopathy. Also called: BRODY DISEASE. Identifiers: Orphanet 53347, MedGen C1832918, MONDO:0010977, OMIM 601003.

Allele frequency attached by ClinVar (database versions not stated): TOPMed below 0.00001; ExAC 0.00001; gnomAD exomes 0.00001.
gnomAD v4.1: 12 of 1,613,980 alleles (0.00074%); highest among the groups gnomAD compares: Middle Eastern, 0.016%; no homozygotes.

Submission:

Labcorp Genetics (formerly Invitae), Labcorp
Classification: Uncertain significance for Brody myopathy. Last evaluated: 2022-03-12. Review status: criteria provided, single submitter. Criteria: Invitae Variant Classification Sherloc (09022015). Collection method: clinical testing. Allele origin: germline.
Comment: This sequence change replaces methionine, which is neutral and non-polar, with threonine, which is neutral and polar, at codon 969 of the ATP2A1 protein (p.Met969Thr). In summary, the available evidence is currently insufficient to determine the role of this variant in disease. Therefore, it has been classified as a Variant of Uncertain Significance. Algorithms developed to predict the effect of missense changes on protein structure and function (SIFT, PolyPhen-2, Align-GVGD) all suggest that this variant is likely to be tolerated. This variant has not been reported in the literature in individuals affected with ATP2A1-related conditions. This variant is present in population databases (rs745336652, gnomAD 0.002%).